The following is an entry in ClinVar:

NM_001127222.2(CACNA1A):c.2860G>A (p.Glu954Lys)

Gene: CACNA1A (calcium voltage-gated channel subunit alpha1 A; minus strand). Cytogenetic location: 19p13.13.
Variant type: single nucleotide variant.
Coding change: c.2860G>A on transcript NM_001127222.2 (MANE Select); coding-DNA position 2860, G replaced by A.
Protein change: p.Glu954Lys; replaces glutamic acid 954 with lysine.
Molecular consequence: missense variant.
Genome position (GRCh38, 1-based): chr19:13,298,773, C>T on the plus strand (G>A on the coding strand, the complement: CACNA1A is on the minus strand). VCF-style: chr19-13298773-C-T. GRCh37 (hg19) VCF-style: chr19-13409587-C-T.
Other names: c.2872G>A, p.Glu958Lys (NM_000068.4, NM_023035.3); c.2863G>A, p.Glu955Lys (NM_001127221.2, NM_001174080.2); short protein forms E958K, E955K, E954K.
Identifiers: ClinVar variation 4792285 (VCV004792285.2).

ClinVar aggregate classification (germline): Uncertain significance. Review status: criteria provided, multiple submitters, no conflicts (2 of 4 stars). 2 submissions from 2 submitters: Uncertain significance (2). Last evaluated 2026-02-03.

Conditions:
Episodic ataxia type 2 (EA2). Also called: ACETAZOLAMIDE-RESPONSIVE HEREDITARY PAROXYSMAL CEREBELLAR ATAXIA; ATAXIA, EPISODIC, WITH NYSTAGMUS; ATAXIA, FAMILIAL PAROXYSMAL; CEREBELLAR ATAXIA, PAROXYSMAL, ACETAZOLAMIDE-RESPONSIVE; CEREBELLOPATHY, HEREDITARY PAROXYSMAL; EPISODIC ATAXIA, NYSTAGMUS-ASSOCIATED. Identifiers: Orphanet 97, MedGen C1720416, MONDO:0007163, OMIM 108500.
Developmental and epileptic encephalopathy, 42 (DEE42A). Also called: Epileptic encephalopathy, early infantile, 42; DEVELOPMENTAL AND EPILEPTIC ENCEPHALOPATHY 42A; EPILEPTIC ENCEPHALOPATHY, EARLY INFANTILE, 42A. Identifiers: MedGen C4310716, MONDO:0014917, OMIM 617106.

Submissions (2):

Women's Health and Genetics/Laboratory Corporation of America, LabCorp
Classification: Uncertain significance. Last evaluated: 2026-02-03. Review status: criteria provided, single submitter. Criteria: LabCorp Variant Classification Summary - May 2015. Collection method: clinical testing. Allele origin: germline.
Comment: Variant summary: CACNA1A c.2863G>A (p.Glu955Lys) results in a conservative amino acid change in the encoded protein sequence. Algorithms developed to predict the effect of missense changes on protein structure and function are either unavailable or do not agree on the potential impact of this missense change. The variant was absent in 128772 control chromosomes. The available data on variant occurrences in the general population are insufficient to allow any conclusion about variant significance. To our knowledge, no occurrence of c.2863G>A in individuals affected with CACNA1A-related conditions and no experimental evidence demonstrating its impact on protein function have been reported. No submitters have cited clinical-significance assessments for this variant to ClinVar. Based on the evidence outlined above, the variant was classified as uncertain significance.

Labcorp Genetics (formerly Invitae), Labcorp
Classification: Uncertain significance for Developmental and epileptic encephalopathy, 42; Episodic ataxia type 2. Last evaluated: 2026-01-09. Review status: criteria provided, single submitter. Criteria: Invitae Variant Classification Sherloc (09022015). Collection method: clinical testing. Allele origin: germline.
Comment: This sequence change replaces glutamic acid, which is acidic and polar, with lysine, which is basic and polar, at codon 955 of the CACNA1A protein (p.Glu955Lys). This variant is not present in population databases (gnomAD no frequency). This variant has not been reported in the literature in individuals affected with CACNA1A-related conditions. Invitae Evidence Modeling of protein sequence and biophysical properties (such as structural, functional, and spatial information, amino acid conservation, physicochemical variation, residue mobility, and thermodynamic stability) indicates that this missense variant is not expected to disrupt CACNA1A protein function with a negative predictive value of 95%. In summary, the available evidence is currently insufficient to determine the role of this variant in disease. Therefore, it has been classified as a Variant of Uncertain Significance.